The following is an entry in ClinVar:

ClinVar aggregate classification (germline): Pathogenic (1 of 4 stars; one submission).

Conditions:
Hereditary cancer-predisposing syndrome. Also called: Tumor predisposition; Neoplastic Syndromes, Hereditary; Hereditary Cancer Syndrome; Hereditary neoplastic syndrome. Identifiers: Orphanet 140162, MedGen C0027672, MeSH D009386, MONDO:0015356.

Submission:

Ambry Genetics
Classification: Pathogenic for Hereditary cancer-predisposing syndrome. Last evaluated: 2021-08-10. Review status: criteria provided, single submitter. Criteria: Ambry Variant Classification Scheme 2023. Collection method: clinical testing. Allele origin: germline.
Comment: The c.1130delT pathogenic mutation, located in coding exon 7 of the DICER1 gene, results from a deletion of one nucleotide at nucleotide position 1130, causing a translational frameshift with a predicted alternate stop codon (p.V377Efs*81). This variant is considered to be rare based on population cohorts in the Genome Aggregation Database (gnomAD). This alteration is expected to result in loss of function by premature protein truncation or nonsense-mediated mRNA decay. As such, this alteration is interpreted as a disease-causing mutation.

NM_177438.3(DICER1):c.1130del (p.Val377fs)

Gene: DICER1 (dicer 1, ribonuclease III; minus strand). Cytogenetic location: 14q32.13.
Variant type: Deletion.
Coding change: c.1130del on transcript NM_177438.3 (MANE Select); coding-DNA position 1130, one base deleted (T; older notation c.1130delT).
Protein change: p.Val377fs; shifts the reading frame from valine 377.
Molecular consequence: frameshift variant. On other transcripts: 5 prime UTR variant (1), non-coding transcript variant (6).
Genome position (GRCh38, 1-based): chr14:95,124,442, A deleted on the plus strand (T on the coding strand, the reverse complement: DICER1 is on the minus strand). VCF-style (leftmost placement, unchanged base first): chr14-95124441-TA-T. GRCh37 (hg19) VCF-style: chr14-95590778-TA-T.
Other names: c.1130del, p.Val377fs (NM_001195573.1, NM_001271282.3, NM_001291628.2 and 14 more transcripts); c.1130delT, p.Val377Glufs (NM_001395681.1); c.848del, p.Val283fs (NM_001395686.1); c.725del, p.Val242fs (NM_001395687.1, NM_001395688.1, NM_001395689.1 and 3 more transcripts); c.563del, p.Val188fs (NM_001395691.1); c.-439del (NM_001395697.1); short protein forms V283fs, V188fs, V242fs, V377fs.
Identifiers: ClinVar variation 1728215 (VCV001728215.2), dbSNP rs2543179941, ClinGen allele CA2580089101.